The following is an entry in ClinVar:

NM_173728.4(ARHGEF15):c.1792T>A (p.Cys598Ser)

Gene: ARHGEF15 (Rho guanine nucleotide exchange factor 15; plus strand). Cytogenetic location: 17p13.1.
Variant type: single nucleotide variant.
Coding change: c.1792T>A on transcript NM_173728.4 (MANE Select); coding-DNA position 1792, T replaced by A.
Protein change: p.Cys598Ser; replaces cysteine 598 with serine.
Molecular consequence: missense variant.
Genome position (GRCh38, 1-based): chr17:8,318,582, T>A. VCF-style: chr17-8318582-T-A. GRCh37 (hg19) VCF-style: chr17-8221900-T-A.
Other names: c.1792T>A, p.Cys598Ser (NM_025014.2); short protein forms C598S.
Identifiers: ClinVar variation 1515468 (VCV001515468.9), dbSNP rs2151643282, ClinGen allele CA398022949.

ClinVar aggregate classification (germline): Uncertain significance (1 of 4 stars; one submission).

Conditions:
Early-infantile DEE. Also called: Ohtahara syndrome; Early infantile epileptic encephalopathy; Early infantile epileptic encephalopathy with suppression bursts. Identifiers: Orphanet 1934, MedGen C0393706, MONDO:0800491.

Submission:

Labcorp Genetics (formerly Invitae), Labcorp
Classification: Uncertain significance for Early-infantile DEE. Last evaluated: 2021-01-08. Review status: criteria provided, single submitter. Criteria: Invitae Variant Classification Sherloc (09022015). Collection method: clinical testing. Allele origin: germline.
Comment: This sequence change replaces cysteine with serine at codon 598 of the ARHGEF15 protein (p.Cys598Ser). The cysteine residue is highly conserved and there is a moderate physicochemical difference between cysteine and serine. In summary, the available evidence is currently insufficient to determine the role of this variant in disease. Therefore, it has been classified as a Variant of Uncertain Significance. Algorithms developed to predict the effect of missense changes on protein structure and function are either unavailable or do not agree on the potential impact of this missense change (SIFT: "Deleterious"; PolyPhen-2: "Benign"; Align-GVGD: "Class C0"). This variant has not been reported in the literature in individuals with ARHGEF15-related conditions. This variant is not present in population databases (ExAC no frequency).